The following is an entry in ClinVar:

NM_001127511.3(APC):c.28G>T (p.Val10Phe)

Gene: APC (APC regulator of Wnt signaling pathway; plus strand). Cytogenetic location: 5q22.2.
Variant type: single nucleotide variant.
Coding change: c.28G>T on transcript NM_001127511.3; coding-DNA position 28, G replaced by T.
Protein change: p.Val10Phe; replaces valine 10 with phenylalanine.
Molecular consequence: missense variant. On other transcripts: 5 prime UTR variant (8), non-coding transcript variant (1), intron variant (5).
Genome position (GRCh38, 1-based): chr5:112,707,745, G>T. VCF-style: chr5-112707745-G-T. GRCh37 (hg19) VCF-style: chr5-112043442-G-T.
Other names: c.-156G>T (NM_001354895.2, NM_001407447.1, NM_001407452.1 and 3 more transcripts); c.28G>T, p.Val10Phe (NM_001354897.2, NM_001354902.2, NM_001407446.1); c.-1191G>T (NM_001407470.1, NM_001407472.1); c.-19+96G>T (NM_001407448.1, NM_001407450.1, NM_001407457.1 and 1 more transcripts); c.-43+96G>T (NM_001407453.1); short protein forms V10F.
Identifiers: ClinVar variation 537652 (VCV000537652.10), dbSNP rs1397116635, ClinGen allele CA360611672.

ClinVar aggregate classification (germline): Uncertain significance (1 of 4 stars; one submission).

Conditions:
Familial adenomatous polyposis 1 (FAP1). Also called: FAMILIAL ADENOMATOUS POLYPOSIS 1, ATTENUATED; POLYPOSIS, ADENOMATOUS INTESTINAL. Identifiers: MedGen C2713442, MONDO:0021056, OMIM 175100. Disease mechanism: loss of function.

Allele frequency attached by ClinVar (database versions not stated): TOPMed 0.00001; gnomAD exomes below 0.00001.
gnomAD v4.1: 6 of 1,370,532 alleles (0.00044%); highest among the groups gnomAD compares: Non-Finnish European, 0.00058%; no homozygotes.

Submission:

Labcorp Genetics (formerly Invitae), Labcorp
Classification: Uncertain significance for Familial adenomatous polyposis 1. Last evaluated: 2025-12-18. Review status: criteria provided, single submitter. Criteria: Invitae Variant Classification Sherloc (09022015). Collection method: clinical testing. Allele origin: germline.
Comment: This variant occurs in a non-coding region of the APC gene. It does not change the encoded amino acid sequence of the APC protein. This variant is present in population databases (no rsID available, gnomAD 0.01%). This variant has not been reported in the literature in individuals affected with APC-related conditions. ClinVar contains an entry for this variant (Variation ID: 537652). Experimental studies and prediction algorithms are not available or were not evaluated, and the functional significance of this variant is currently unknown. In summary, the available evidence is currently insufficient to determine the role of this variant in disease. Therefore, it has been classified as a Variant of Uncertain Significance.